The following is an entry in ClinVar:

ClinVar aggregate classification (germline): Likely benign (1 of 4 stars; one submission).

Conditions:
LMX1A-related disorder. Also called: LMX1A-related condition.

gnomAD v4.1: 59 of 1,613,978 alleles (0.0037%); highest among the groups gnomAD compares: South Asian, 0.033%; no homozygotes.

Submission:

PreventionGenetics, part of Exact Sciences
Classification: Likely benign for LMX1A-related condition. Last evaluated: 2026-07-22. Review status: criteria provided, single submitter. Criteria: ACMG Guidelines, 2015. Collection method: clinical testing. Allele origin: germline.
Comment: This variant is classified as likely benign based on ACMG/AMP sequence variant interpretation guidelines (Richards et al. 2015 PMID: 25741868, with internal and published modifications).

NM_177398.4(LMX1A):c.1089C>T (p.Ser363=)

Gene: LMX1A (LIM homeobox transcription factor 1 alpha; minus strand). Cytogenetic location: 1q23.3.
Variant type: single nucleotide variant.
Coding change: c.1089C>T on transcript NM_177398.4 (MANE Select); coding-DNA position 1089, C replaced by T.
Protein change: p.Ser363=; no amino-acid change (serine 363 retained).
Molecular consequence: synonymous variant.
Genome position (GRCh38, 1-based): chr1:165,203,940, G>A on the plus strand (C>T on the coding strand, the complement: LMX1A is on the minus strand). VCF-style: chr1-165203940-G-A. GRCh37 (hg19) VCF-style: chr1-165173177-G-A.
Other names: c.1089C>T, p.Ser363= (NM_001174069.2).
Identifiers: ClinVar variation 4979903 (VCV004979903.1).